The following is an entry in ClinVar:

ClinVar aggregate classification (germline): Uncertain significance (1 of 4 stars; one submission).

Submission:

Laboratory for Molecular Medicine, Mass General Brigham Personalized Medicine
Classification: Uncertain significance. Last evaluated: 2013-11-22. Review status: criteria provided, single submitter. Criteria: LMM Criteria. Collection method: clinical testing. Allele origin: germline. Observed: 1 variant allele.
Comment: The Lys22323Asn variant in TTN has not been previously reported in individuals w ith cardiomyopathy or in large population studies. Computational analyses (bioch emical amino acid properties, conservation, AlignGVGD, and SIFT) do not provide strong support for or against an impact to the protein. Additional information i s needed to assess the clinical significance of this variant.

NM_001267550.2(TTN):c.74673G>C (p.Lys24891Asn)

Genes: TTN (titin; minus strand), TTN-AS1 (TTN antisense RNA 1; plus strand). Cytogenetic location: 2q31.2.
Variant type: single nucleotide variant.
Coding change: c.74673G>C on transcript NM_001267550.2 (MANE Select); coding-DNA position 74673, G replaced by C.
Protein change: p.Lys24891Asn; replaces lysine 24891 with asparagine.
Molecular consequence: missense variant.
Genome position (GRCh38, 1-based): chr2:178,571,459, C>G on the plus strand (G>C on the coding strand, the complement: TTN is on the minus strand). VCF-style: chr2-178571459-C-G. GRCh37 (hg19) VCF-style: chr2-179436186-C-G.
Other names: c.66969G>C, p.Lys22323Asn (NM_133378.4); c.69750G>C, p.Lys23250Asn (NM_001256850.1); c.47478G>C, p.Lys15826Asn (NM_003319.4); c.47853G>C, p.Lys15951Asn (NM_133432.3); c.48054G>C, p.Lys16018Asn (NM_133437.4); short protein forms K22323N, K24891N, K23250N, K16018N, K15826N, K15951N.
Identifiers: ClinVar variation 179415 (VCV000179415.5), dbSNP rs727504855, ClinGen allele CA184379.